The following is an entry in ClinVar:

NM_001128164.2(ATXN1):c.627_635del (p.His209_His211del)

Genes: ATXN1 (ataxin 1; minus strand), LOC108663993 (ataxin 1 repeat instability region; plus strand). Cytogenetic location: 6p22.3.
Variant type: Deletion.
Coding change: c.627_635del on transcript NM_001128164.2 (MANE Select); coding-DNA positions 627 to 635, 9 bases deleted (TCAGCATCA; older notation c.627_635delTCAGCATCA).
Protein change: p.His209_His211del.
Molecular consequence: inframe deletion. On other transcripts: 3 prime UTR variant (1).
Genome position (GRCh38, 1-based): chr6:16,327,676-16,327,684, TGATGCTGA deleted on the plus strand (TCAGCATCA on the coding strand, the reverse complement: ATXN1 is on the minus strand); deleting any 9 consecutive bases within chr6:16,327,676-16,327,686 gives the same sequence; the c. name uses the placement nearest the transcript's 3' end. VCF-style (leftmost placement, unchanged base first): chr6-16327675-CTGATGCTGA-C. GRCh37 (hg19) VCF-style: chr6-16327906-CTGATGCTGA-C.
Other names: c.627_635del, p.His209_His211del (NM_000332.4); c.*40_*48del (NM_001357857.2).
Identifiers: ClinVar variation 4821102 (VCV004821102.4).
Genomic context (GRCh38, chr6:16,327,675, plus strand): 5'-CCCCGGAGCCCTGCTGAGGTGCTGCTGCTGCTGCTGCTGCTGCTGCTGCTGCTGCTGCTG[CTGATGCTGA>C]TGCTGCTGCTGCTGCTGCTGCTGCTGCTGCTGCTGCTGCTCAGCCTTGTGTCCCGGCGTC-3'

ClinVar aggregate classification (germline): Likely benign (1 of 4 stars; one submission).

Submission:

CeGaT Center for Human Genetics Tuebingen
Classification: Likely benign. Last evaluated: 2026-03-01. Review status: criteria provided, single submitter. Criteria: CeGaT Center For Human Genetics Tuebingen Variant Classification Criteria Version 2. Collection method: clinical testing. Allele origin: germline. Affected: yes. Observed: 1 variant allele.
Comment: ATXN1: BS1